The following is an entry in ClinVar:

ClinVar aggregate classification (germline): Benign (0 of 4 stars; one submission).

Conditions:
UGT2B17-related disorder. Also called: UGT2B17-related condition.

Allele frequency attached by ClinVar (database versions not stated): 1000 Genomes Project 0.00160; 1000 Genomes Project 30x 0.00250; gnomAD 0.00520; ESP Exome Variant Server 0.00589; ExAC 0.00603; gnomAD exomes 0.00748.
gnomAD v4.1: 10,154 of 1,382,764 alleles (0.73%); highest among the groups gnomAD compares: Admixed American, 1%; 2,535 homozygotes.

Submission:

PreventionGenetics, part of Exact Sciences
Classification: Benign for UGT2B17-related condition. Last evaluated: 2019-10-31. Review status: no assertion criteria provided. Collection method: clinical testing. Allele origin: germline.
Comment: This variant is classified as benign based on ACMG/AMP sequence variant interpretation guidelines (Richards et al. 2015 PMID: 25741868, with internal and published modifications).

NM_001077.4(UGT2B17):c.440A>T (p.Asp147Val)

Gene: UGT2B17 (UDP glucuronosyltransferase family 2 member B17; minus strand). Cytogenetic location: 4q13.2.
Variant type: single nucleotide variant.
Coding change: c.440A>T on transcript NM_001077.4 (MANE Select); coding-DNA position 440, A replaced by T.
Protein change: p.Asp147Val; replaces aspartic acid 147 with valine.
Molecular consequence: missense variant.
Genome position (GRCh38, 1-based): chr4:68,568,045, T>A on the plus strand (A>T on the coding strand, the complement: UGT2B17 is on the minus strand). VCF-style: chr4-68568045-T-A. GRCh37 (hg19) VCF-style: chr4-69433763-T-A.
Other names: short protein forms D147V.
Identifiers: ClinVar variation 3039549 (VCV003039549.2), dbSNP rs143522336, ClinGen allele CA2942258.
Genomic context (GRCh38, chr4:68,568,045, plus strand): 5'-ATGTTAAGTAGCTCAGCCAGCAGCTCACCACAGGGATTAACGGCATCTGCCAGAAGGACA[T>A]CAAATTTTGACTCTTGTAGTTTTCTCATAAGTTTCTTGTTCAAAACTGCATCTTCACAGA-3'
Protein context (NP_001068.1, residues 137-157): LMRKLQESKF[Asp147Val]VLLADAVNPC